The following is an entry in ClinVar:

ClinVar aggregate classification (germline): Uncertain significance (1 of 4 stars; one submission).

gnomAD v4.1: 4 of 1,613,970 alleles (0.00025%); highest among the groups gnomAD compares: Non-Finnish European, 0.00025%; no homozygotes.

Submission:

Labcorp Genetics (formerly Invitae), Labcorp
Classification: Uncertain significance. Last evaluated: 2024-03-22. Review status: criteria provided, single submitter. Criteria: Invitae Variant Classification Sherloc (09022015). Collection method: clinical testing. Allele origin: germline.
Comment: This sequence change replaces arginine, which is basic and polar, with cysteine, which is neutral and slightly polar, at codon 467 of the ATP2A2 protein (p.Arg467Cys). This variant is present in population databases (no rsID available, gnomAD 0.0009%). This variant has not been reported in the literature in individuals affected with ATP2A2-related conditions. Advanced modeling of protein sequence and biophysical properties (such as structural, functional, and spatial information, amino acid conservation, physicochemical variation, residue mobility, and thermodynamic stability) has been performed at Invitae for this missense variant, however the output from this modeling did not meet the statistical confidence thresholds required to predict the impact of this variant on ATP2A2 protein function. In summary, the available evidence is currently insufficient to determine the role of this variant in disease. Therefore, it has been classified as a Variant of Uncertain Significance.

NM_170665.4(ATP2A2):c.1399C>T (p.Arg467Cys)

Gene: ATP2A2 (ATPase sarcoplasmic/endoplasmic reticulum Ca2+ transporting 2; plus strand). Cytogenetic location: 12q24.11.
Variant type: single nucleotide variant.
Coding change: c.1399C>T on transcript NM_170665.4 (MANE Select); coding-DNA position 1399, C replaced by T.
Protein change: p.Arg467Cys; replaces arginine 467 with cysteine.
Molecular consequence: missense variant.
Genome position (GRCh38, 1-based): chr12:110,334,123, C>T. VCF-style: chr12-110334123-C-T. GRCh37 (hg19) VCF-style: chr12-110771928-C-T.
Other names: c.1294C>T, p.Arg432Cys (NM_001413013.1); c.1399C>T, p.Arg467Cys (NM_001413014.1, NM_001681.4); c.1024C>T, p.Arg342Cys (NM_001413015.1); short protein forms R342C, R432C, R467C.
Identifiers: ClinVar variation 3620420 (VCV003620420.2).
Genomic context (GRCh38, chr12:110,334,123, plus strand): 5'-TGCCTAGTAGAGAAGATGAATGTATTTGATACCGAATTGAAGGGTCTTTCTAAAATAGAA[C>T]GTGCAAATGCCTGCAACTCAGTGAGTATTTGAACCTGGTTTATTGTTCATGCTGCTTATC-3'
Protein context (NP_733765.1, residues 457-477): TELKGLSKIE[Arg467Cys]ANACNSVIKQ